The following is an entry in ClinVar:

ClinVar aggregate classification (germline): Uncertain significance (1 of 4 stars; one submission).

Conditions:
RASopathy. Also called: Noonan spectrum disorder; rasopathies. Identifiers: Orphanet 536391, MedGen C5555857, MONDO:0021060.

gnomAD v4.1: 1 of 1,613,990 alleles (0.000062%); highest among the groups gnomAD compares: Non-Finnish European, 0.000085%; no homozygotes.

Submission:

Labcorp Genetics (formerly Invitae), Labcorp
Classification: Uncertain significance for RASopathy. Last evaluated: 2025-12-08. Review status: criteria provided, single submitter. Criteria: Invitae Variant Classification Sherloc (09022015). Collection method: clinical testing. Allele origin: germline.
Comment: This sequence change replaces glutamine, which is neutral and polar, with histidine, which is basic and polar, at codon 1058 of the SOS1 protein (p.Gln1058His). This variant is not present in population databases (gnomAD no frequency). This variant has not been reported in the literature in individuals affected with SOS1-related conditions. Invitae Evidence Modeling of protein sequence and biophysical properties (such as structural, functional, and spatial information, amino acid conservation, physicochemical variation, residue mobility, and thermodynamic stability) indicates that this missense variant is not expected to disrupt SOS1 protein function with a negative predictive value of 95%. In summary, the available evidence is currently insufficient to determine the role of this variant in disease. Therefore, it has been classified as a Variant of Uncertain Significance.

NM_005633.4(SOS1):c.3174G>C (p.Gln1058His)

Gene: SOS1 (SOS Ras/Rac guanine nucleotide exchange factor 1; minus strand). Cytogenetic location: 2p22.1.
Variant type: single nucleotide variant.
Coding change: c.3174G>C on transcript NM_005633.4 (MANE Select); coding-DNA position 3174, G replaced by C.
Protein change: p.Gln1058His; replaces glutamine 1058 with histidine.
Molecular consequence: missense variant.
Genome position (GRCh38, 1-based): chr2:38,995,295, C>G on the plus strand (G>C on the coding strand, the complement: SOS1 is on the minus strand). VCF-style: chr2-38995295-C-G. GRCh37 (hg19) VCF-style: chr2-39222436-C-G.
Other names: c.3153G>C, p.Gln1051His (NM_001382394.1); c.3174G>C, p.Gln1058His (NM_001382395.1); short protein forms Q1051H, Q1058H.
Identifiers: ClinVar variation 4747095 (VCV004747095.1).